The following is an entry in ClinVar:

ClinVar aggregate classification (germline): Conflicting classifications of pathogenicity. Review status: criteria provided, conflicting classifications (1 of 4 stars). 2 submissions from 2 submitters: Uncertain significance (1); Likely benign (1). Last evaluated 2026-07-14.

Conditions:
Osteogenesis imperfecta type I (OI1). Also called: Osteogenesis imperfecta type 1; Lobstein disease; Classic Non-deforming Osteogenesis Imperfecta with Blue Sclerae; OI, TYPE I; OSTEOGENESIS IMPERFECTA TARDA; OSTEOGENESIS IMPERFECTA WITH BLUE SCLERAE. Identifiers: Orphanet 216796, Orphanet 666, MedGen C0023931, MONDO:0008146, OMIM 166200. Disease mechanism: loss of function.

Allele frequency attached by ClinVar (database versions not stated): gnomAD exomes 0.00001 and below 0.00001.
gnomAD v4.1: 7 of 1,611,208 alleles (0.00043%); highest among the groups gnomAD compares: Non-Finnish European, 0.00059%; no homozygotes.

Submissions (2):

GeneDx
Classification: Uncertain significance. Last evaluated: 2026-07-14. Review status: criteria provided, single submitter. Criteria: GeneDx Variant Classification Process June 2021. Collection method: clinical testing. Allele origin: germline.
Comment: Not observed at significant frequency in large population cohorts (gnomAD); In silico analysis supports that this missense variant has a deleterious effect on protein structure/function; Has not been previously published as pathogenic or benign to our knowledge; Occurs in the triple helical domain at the X position in the canonical Gly-X-Y repeat; although this variant may have an effect on normal protein folding and function, missense substitution at the X position is not a common mechanism of disease (HGMD)

Labcorp Genetics (formerly Invitae), Labcorp
Classification: Likely benign for Osteogenesis imperfecta type I. Last evaluated: 2022-11-03. Review status: criteria provided, single submitter. Criteria: Invitae Variant Classification Sherloc (09022015). Collection method: clinical testing. Allele origin: germline.

NM_000088.4(COL1A1):c.3023C>T (p.Pro1008Leu)

Gene: COL1A1 (collagen type I alpha 1 chain; minus strand). Cytogenetic location: 17q21.33.
Variant type: single nucleotide variant.
Coding change: c.3023C>T on transcript NM_000088.4 (MANE Select); coding-DNA position 3023, C replaced by T.
Protein change: p.Pro1008Leu; replaces proline 1008 with leucine.
Molecular consequence: missense variant.
Genome position (GRCh38, 1-based): chr17:50,188,925, G>A on the plus strand (C>T on the coding strand, the complement: COL1A1 is on the minus strand). VCF-style: chr17-50188925-G-A. GRCh37 (hg19) VCF-style: chr17-48266286-G-A.
Other names: short protein forms P1008L.
Identifiers: ClinVar variation 1445438 (VCV001445438.9), dbSNP rs1484351533, ClinGen allele CA400203726.
Genomic context (GRCh38, chr17:50,188,925, plus strand): 5'-TGCTGAGGGTACTGGCATGGGGGCTGGGGACTGCTCACCTCACGTCCAGATTCACCAGGG[G>A]GTCCAGCCAATCCAGGGGGGCCCATGGGACCAGGGGGACCACGTTCACCACTTGCTCCAG-3'
Protein context (NP_000079.2, residues 998-1018): GPMGPPGLAG[Pro1008Leu]PGESGREGAP